The following is an entry in ClinVar:

NM_004525.3(LRP2):c.12317G>A (p.Arg4106Gln)

Gene: LRP2 (LDL receptor related protein 2; minus strand). Cytogenetic location: 2q31.1.
Variant type: single nucleotide variant.
Coding change: c.12317G>A on transcript NM_004525.3 (MANE Select); coding-DNA position 12317, G replaced by A.
Protein change: p.Arg4106Gln; replaces arginine 4106 with glutamine.
Molecular consequence: missense variant.
Genome position (GRCh38, 1-based): chr2:169,152,943, C>T on the plus strand (G>A on the coding strand, the complement: LRP2 is on the minus strand). VCF-style: chr2-169152943-C-T. GRCh37 (hg19) VCF-style: chr2-170009453-C-T.
Other names: short protein forms R4106Q.
Identifiers: ClinVar variation 1984386 (VCV001984386.1), dbSNP rs537616155, ClinGen allele CA1952831.

ClinVar aggregate classification (germline): Uncertain significance (1 of 4 stars; one submission).

Allele frequency attached by ClinVar (database versions not stated): ExAC 0.00001; gnomAD exomes 0.00001; gnomAD 0.00005; TOPMed 0.00005; 1000 Genomes Project 30x 0.00016; 1000 Genomes Project 0.00020.
gnomAD v4.1: 18 of 1,613,942 alleles (0.0011%); highest among the groups gnomAD compares: Middle Eastern, 0.017%; no homozygotes.

Submission:

Labcorp Genetics (formerly Invitae), Labcorp
Classification: Uncertain significance. Last evaluated: 2022-04-23. Review status: criteria provided, single submitter. Criteria: Invitae Variant Classification Sherloc (09022015). Collection method: clinical testing. Allele origin: germline.
Comment: This sequence change replaces arginine, which is basic and polar, with glutamine, which is neutral and polar, at codon 4106 of the LRP2 protein (p.Arg4106Gln). This variant is present in population databases (rs537616155, gnomAD 0.02%). This variant has not been reported in the literature in individuals affected with LRP2-related conditions. Advanced modeling of protein sequence and biophysical properties (such as structural, functional, and spatial information, amino acid conservation, physicochemical variation, residue mobility, and thermodynamic stability) performed at Invitae indicates that this missense variant is not expected to disrupt LRP2 protein function. In summary, the available evidence is currently insufficient to determine the role of this variant in disease. Therefore, it has been classified as a Variant of Uncertain Significance.